The following is an entry in ClinVar:

ClinVar aggregate classification (germline): Conflicting classifications of pathogenicity. Review status: criteria provided, conflicting classifications (1 of 4 stars). 10 submissions from 6 submitters: Uncertain significance (3); Benign (2); Likely benign (5). Last evaluated 2026-01-28.

Conditions:
Autosomal recessive limb-girdle muscular dystrophy type 2J (LGMDR10). Also called: Limb-girdle muscular dystrophy, type 2J; MUSCULAR DYSTROPHY, LIMB-GIRDLE, AUTOSOMAL RECESSIVE 10. Identifiers: Orphanet 140922, MedGen C1837342, MONDO:0012127, OMIM 608807.
Dilated cardiomyopathy 1G (CMD1G). Identifiers: Orphanet 154, MedGen C1858763, MONDO:0011400, OMIM 604145.
Early-onset myopathy with fatal cardiomyopathy (CMYO5). Also called: Salih Myopathy; CONGENITAL MYOPATHY 5 WITH CARDIOMYOPATHY. Identifiers: Orphanet 289377, MedGen C2673677, MONDO:0012714, OMIM 611705. Disease mechanism: loss of function.
Myopathy, myofibrillar, 9, with early respiratory failure (MFM9). Also called: EDSTROM MYOPATHY; MYOPATHY, PROXIMAL, WITH EARLY RESPIRATORY MUSCLE INVOLVEMENT; Hereditary myopathy with early respiratory failure; Myopathy, distal, with early respiratory failure, autosomal dominant. Identifiers: Orphanet 178464, Orphanet 34521, MedGen C1863599, MONDO:0011362, OMIM 603689.
Tibial muscular dystrophy (TMD). Also called: Udd Distal Myopathy – Tibial Muscular Dystrophy; UDD MYOPATHY; Tibial muscular dystrophy, tardive. Identifiers: Orphanet 609, MedGen C1838244, MONDO:0010870, OMIM 600334.

Allele frequency attached by ClinVar (database versions not stated): TOPMed 0.00017; gnomAD 0.00022 and 0.00023; ExAC 0.00034; ESP Exome Variant Server 0.00025; gnomAD exomes 0.00028 and 0.00033.
gnomAD v4.1: 418 of 1,522,106 alleles (0.027%); highest among the groups gnomAD compares: South Asian, 0.14%; no homozygotes.

Submissions (10):

Labcorp Genetics (formerly Invitae), Labcorp
Classification: Likely benign for Dilated cardiomyopathy 1G; Autosomal recessive limb-girdle muscular dystrophy type 2J. Last evaluated: 2026-01-28. Review status: criteria provided, single submitter. Criteria: Invitae Variant Classification Sherloc (09022015). Collection method: clinical testing. Allele origin: germline.

Blueprint Genetics
Classification: Likely benign. Last evaluated: 2024-10-08. Review status: criteria provided, single submitter. Criteria: ACMG Guidelines, 2015. Collection method: clinical testing. Allele origin: germline.

Women's Health and Genetics/Laboratory Corporation of America, LabCorp
Classification: Likely benign. Last evaluated: 2023-12-13. Review status: criteria provided, single submitter. Criteria: LabCorp Variant Classification Summary - May 2015. Collection method: clinical testing. Allele origin: germline.

Illumina Laboratory Services, Illumina
Classification: Uncertain significance for Dilated cardiomyopathy 1G. Last evaluated: 2018-04-06. Review status: criteria provided, single submitter. Criteria: ICSL Variant Classification Criteria 13 December 2019. Collection method: clinical testing. Allele origin: germline.

Illumina Laboratory Services, Illumina
Classification: Benign for Tibial muscular dystrophy. Last evaluated: 2018-04-06. Review status: criteria provided, single submitter. Criteria: ICSL Variant Classification Criteria 13 December 2019. Collection method: clinical testing. Allele origin: germline.
Comment: This variant was observed in the ICSL laboratory as part of a predisposition screen in an ostensibly healthy population. It had not been previously curated by ICSL or reported in the Human Gene Mutation Database (HGMD: prior to June 1st, 2018), and was therefore a candidate for classification through an automated scoring system. Utilizing variant allele frequency, disease prevalence and penetrance estimates, and inheritance mode, an automated score was calculated to assess if this variant is too frequent to cause the disease. Based on the score and internal cut-off values, a variant classified as benign is not then subjected to further curation. The score for this variant resulted in a classification of benign for this disease.

Illumina Laboratory Services, Illumina
Classification: Benign for Myopathy, myofibrillar, 9, with early respiratory failure. Last evaluated: 2018-04-06. Review status: criteria provided, single submitter. Criteria: ICSL Variant Classification Criteria 13 December 2019. Collection method: clinical testing. Allele origin: germline.
Comment: the same text as in the submission from Illumina Laboratory Services, Illumina above.

Illumina Laboratory Services, Illumina
Classification: Uncertain significance for Early-onset myopathy with fatal cardiomyopathy. Last evaluated: 2018-04-06. Review status: criteria provided, single submitter. Criteria: ICSL Variant Classification Criteria 13 December 2019. Collection method: clinical testing. Allele origin: germline.

Illumina Laboratory Services, Illumina
Classification: Uncertain significance for Autosomal recessive limb-girdle muscular dystrophy type 2J. Last evaluated: 2018-04-06. Review status: criteria provided, single submitter. Criteria: ICSL Variant Classification Criteria 13 December 2019. Collection method: clinical testing. Allele origin: germline.

GeneDx
Classification: Likely benign. Last evaluated: 2016-06-13. Review status: criteria provided, single submitter. Criteria: GeneDx Variant Classification (06012015). Collection method: clinical testing. Allele origin: germline. Affected: yes.
Comment: This variant is considered likely benign or benign based on one or more of the following criteria: it is a conservative change, it occurs at a poorly conserved position in the protein, it is predicted to be benign by multiple in silico algorithms, and/or has population frequency not consistent with disease.

Laboratory for Molecular Medicine, Mass General Brigham Personalized Medicine
Classification: Likely benign. Last evaluated: 2011-12-23. Review status: criteria provided, single submitter. Criteria: LMM Criteria. Collection method: clinical testing. Allele origin: germline. Observed: 1 variant allele.
Comment: 47107+15G>A in intron 231 of TTN: This variant is not expected to have clinical significance because it is not located within the splice consensus sequence. In addition, it has been identified in 1/6566 European American chromosomes by the NHBLI Exome sequencing project. 47107+15G>A in intron 231 of TTN (NHBLI Exome Seq Project; 1/6566)

NM_001267550.2(TTN):c.54811+15G>A

Genes: TTN-AS1 (TTN antisense RNA 1; plus strand), TTN (titin; minus strand). Cytogenetic location: 2q31.2.
Variant type: single nucleotide variant.
Coding change: c.54811+15G>A on transcript NM_001267550.2 (MANE Select); 15 bases into the intron after coding-DNA position 54811, G replaced by A.
Molecular consequence: intron variant.
Genome position (GRCh38, 1-based): chr2:178,603,861, C>T on the plus strand (G>A on the coding strand, the complement: TTN is on the minus strand). VCF-style: chr2-178603861-C-T. GRCh37 (hg19) VCF-style: chr2-179468588-C-T.
Other names: c.27616+15G>A (NM_003319.4); c.28192+15G>A (NM_133437.4); c.27991+15G>A (NM_133432.3); c.47107+15G>A (NM_133378.4); c.49888+15G>A (NM_001256850.1).
Identifiers: ClinVar variation 47096 (VCV000047096.18), dbSNP rs201450276, ClinGen allele CA139998.